The following is an entry in ClinVar:

NM_001267550.2(TTN):c.82759G>A (p.Val27587Ile)

Genes: TTN (titin; minus strand), TTN-AS1 (TTN antisense RNA 1; plus strand). Cytogenetic location: 2q31.2.
Variant type: single nucleotide variant.
Coding change: c.82759G>A on transcript NM_001267550.2 (MANE Select); coding-DNA position 82759, G replaced by A.
Protein change: p.Val27587Ile; replaces valine 27587 with isoleucine.
Molecular consequence: missense variant.
Genome position (GRCh38, 1-based): chr2:178,563,373, C>T on the plus strand (G>A on the coding strand, the complement: TTN is on the minus strand). VCF-style: chr2-178563373-C-T. GRCh37 (hg19) VCF-style: chr2-179428100-C-T.
Other names: c.75055G>A, p.Val25019Ile (NM_133378.4); c.77836G>A, p.Val25946Ile (NM_001256850.1); c.55564G>A, p.Val18522Ile (NM_003319.4); c.55939G>A, p.Val18647Ile (NM_133432.3); c.56140G>A, p.Val18714Ile (NM_133437.4); short protein forms V25019I, V27587I, V18647I, V25946I, V18522I, V18714I.
Identifiers: ClinVar variation 229526 (VCV000229526.5), dbSNP rs876658085, ClinGen allele CA10576474.

ClinVar aggregate classification (germline): Uncertain significance (1 of 4 stars; one submission).

Allele frequency attached by ClinVar (database versions not stated): gnomAD exomes below 0.00001.
gnomAD v4.1: 1 of 1,613,548 alleles (0.000062%); highest among the groups gnomAD compares: Non-Finnish European, 0.000085%; no homozygotes.

Submission:

Laboratory for Molecular Medicine, Mass General Brigham Personalized Medicine
Classification: Uncertain significance. Last evaluated: 2015-12-17. Review status: criteria provided, single submitter. Criteria: LMM Criteria. Collection method: clinical testing. Allele origin: germline. Observed: 2 variant alleles.
Comment: It was absent from large population studi es. Computational prediction tools and conservation analysis do not provide stro ng support for or against an impact to the protein. In summary, the clinical sig nificance of the p.Val25019Ile variant is uncertain.